The following is an entry in ClinVar:

ClinVar aggregate classification (germline): Benign/Likely benign. Review status: criteria provided, multiple submitters, no conflicts (2 of 4 stars). 7 submissions from 6 submitters: Benign (1); Likely benign (6). Last evaluated 2026-02-01.

Conditions:
Fibrochondrogenesis 1 (FBCG1). Identifiers: Orphanet 2021, MedGen C3278138, MONDO:0009226, OMIM 228520.
Stickler syndrome type 2 (STL2). Also called: COL11A1-Related Stickler Syndrome; STICKLER SYNDROME, TYPE II; STICKLER SYNDROME, BEADED VITREOUS TYPE; STICKLER SYNDROME, VITREOUS TYPE 2. Identifiers: Orphanet 828, Orphanet 90654, MedGen C1858084, MONDO:0011493, OMIM 604841.

Allele frequency attached by ClinVar (database versions not stated): gnomAD exomes 0.00017 and 0.00045; ExAC 0.00054; ESP Exome Variant Server 0.00146; gnomAD 0.00165 and 0.00172; 1000 Genomes Project 0.00180; TOPMed 0.00187; 1000 Genomes Project 30x 0.00203.
gnomAD v4.1: 527 of 1,613,752 alleles (0.033%); highest among the groups gnomAD compares: African/African-American, 0.59%; 3 homozygotes.

Submissions (7):

Labcorp Genetics (formerly Invitae), Labcorp
Classification: Benign. Last evaluated: 2026-02-01. Review status: criteria provided, single submitter. Criteria: Invitae Variant Classification Sherloc (09022015). Collection method: clinical testing. Allele origin: germline.

Blueprint Genetics
Classification: Likely benign. Last evaluated: 2024-10-29. Review status: criteria provided, single submitter. Criteria: ACMG Guidelines, 2015. Collection method: clinical testing. Allele origin: germline.

Women's Health and Genetics/Laboratory Corporation of America, LabCorp
Classification: Likely benign. Last evaluated: 2023-09-08. Review status: criteria provided, single submitter. Criteria: LabCorp Variant Classification Summary - May 2015. Collection method: clinical testing. Allele origin: germline.

Illumina Laboratory Services, Illumina
Classification: Likely benign for Fibrochondrogenesis 1. Last evaluated: 2018-01-13. Review status: criteria provided, single submitter. Criteria: ICSL Variant Classification Criteria 13 December 2019. Collection method: clinical testing. Allele origin: germline.
Comment: This variant was observed in the ICSL laboratory as part of a predisposition screen in an ostensibly healthy population. It had not been previously curated by ICSL or reported in the Human Gene Mutation Database (HGMD: prior to June 1st, 2018), and was therefore a candidate for classification through an automated scoring system. Utilizing variant allele frequency, disease prevalence and penetrance estimates, and inheritance mode, an automated score was calculated to assess if this variant is too frequent to cause the disease. Based on the score and internal cut-off values, a variant classified as likely benign is not then subjected to further curation. The score for this variant resulted in a classification of likely benign for this disease.

Illumina Laboratory Services, Illumina
Classification: Likely benign for Stickler syndrome type 2. Last evaluated: 2018-01-13. Review status: criteria provided, single submitter. Criteria: ICSL Variant Classification Criteria 13 December 2019. Collection method: clinical testing. Allele origin: germline.
Comment: the same text as in the submission from Illumina Laboratory Services, Illumina above.

GeneDx
Classification: Likely benign. Last evaluated: 2017-01-24. Review status: criteria provided, single submitter. Criteria: GeneDx Variant Classification (06012015). Collection method: clinical testing. Allele origin: germline. Affected: yes.
Comment: This variant is considered likely benign or benign based on one or more of the following criteria: it is a conservative change, it occurs at a poorly conserved position in the protein, it is predicted to be benign by multiple in silico algorithms, and/or has population frequency not consistent with disease.

Breakthrough Genomics
Classification: Likely benign. Review status: criteria provided, single submitter. Criteria: ACMG Guidelines, 2015. Collection method: not provided. Allele origin: germline. Inheritance: Autosomal recessive inheritance. Affected: yes.

NM_001854.4(COL11A1):c.3024+13T>C

Gene: COL11A1 (collagen type XI alpha 1 chain; minus strand). Cytogenetic location: 1p21.1.
Variant type: single nucleotide variant.
Coding change: c.3024+13T>C on transcript NM_001854.4 (MANE Select); 13 bases into the intron after coding-DNA position 3024, T replaced by C.
Molecular consequence: intron variant.
Genome position (GRCh38, 1-based): chr1:102,962,640, A>G on the plus strand (T>C on the coding strand, the complement: COL11A1 is on the minus strand). VCF-style: chr1-102962640-A-G. GRCh37 (hg19) VCF-style: chr1-103428196-A-G.
Other names: c.2907+13T>C (NM_001190709.2); c.3060+13T>C (NM_080629.3); c.2676+13T>C (NM_080630.4).
Identifiers: ClinVar variation 506378 (VCV000506378.17), dbSNP rs201141572, ClinGen allele CA974192.